The following is an entry in ClinVar:

ClinVar aggregate classification (germline): Uncertain significance (1 of 4 stars; one submission).

gnomAD v4.1: 1 of 1,613,044 alleles (0.000062%); highest among the groups gnomAD compares: Non-Finnish European, 0.000085%; no homozygotes.

Submission:

Labcorp Genetics (formerly Invitae), Labcorp
Classification: Uncertain significance. Last evaluated: 2025-10-29. Review status: criteria provided, single submitter. Criteria: Invitae Variant Classification Sherloc (09022015). Collection method: clinical testing. Allele origin: germline.
Comment: This sequence change replaces serine, which is neutral and polar, with asparagine, which is neutral and polar, at codon 1019 of the MYO6 protein (p.Ser1019Asn). This variant is not present in population databases (gnomAD no frequency). This variant has not been reported in the literature in individuals affected with MYO6-related conditions. Invitae Evidence Modeling of protein sequence and biophysical properties (such as structural, functional, and spatial information, amino acid conservation, physicochemical variation, residue mobility, and thermodynamic stability) indicates that this missense variant is not expected to disrupt MYO6 protein function with a negative predictive value of 80%. In summary, the available evidence is currently insufficient to determine the role of this variant in disease. Therefore, it has been classified as a Variant of Uncertain Significance.

NM_004999.4(MYO6):c.3056G>A (p.Ser1019Asn)

Gene: MYO6 (myosin VI; plus strand). Cytogenetic location: 6q14.1.
Variant type: single nucleotide variant.
Coding change: c.3056G>A on transcript NM_004999.4 (MANE Select); coding-DNA position 3056, G replaced by A.
Protein change: p.Ser1019Asn; replaces serine 1019 with asparagine.
Molecular consequence: missense variant. On other transcripts: non-coding transcript variant (1).
Genome position (GRCh38, 1-based): chr6:75,892,639, G>A. VCF-style: chr6-75892639-G-A. GRCh37 (hg19) VCF-style: chr6-76602356-G-A.
Other names: c.3056G>A, p.Ser1019Asn (NM_001300899.2, NM_001368136.1, NM_001368137.1 and 2 more transcripts); c.3041G>A, p.Ser1014Asn (NM_001368138.1); short protein forms S1014N, S1019N.
Identifiers: ClinVar variation 4743876 (VCV004743876.1).